The following is an entry in ClinVar:

ClinVar aggregate classification (germline): Pathogenic (1 of 4 stars; one submission).

Conditions:
Primary ciliary dyskinesia. Also called: Ciliary dyskinesia. Identifiers: Orphanet 244, MedGen C0008780, MONDO:0016575, HP:0012265.

Allele frequency attached by ClinVar (database versions not stated): gnomAD exomes below 0.00001.

Submission:

Labcorp Genetics (formerly Invitae), Labcorp
Classification: Pathogenic for Primary ciliary dyskinesia. Last evaluated: 2023-09-27. Review status: criteria provided, single submitter. Criteria: Invitae Variant Classification Sherloc (09022015). Collection method: clinical testing. Allele origin: germline.
Comment: This sequence change creates a premature translational stop signal (p.Trp244*) in the DNAI2 gene. It is expected to result in an absent or disrupted protein product. Loss-of-function variants in DNAI2 are known to be pathogenic (PMID: 18950741, 23891469). This variant is not present in population databases (gnomAD no frequency). This variant has not been reported in the literature in individuals affected with DNAI2-related conditions. ClinVar contains an entry for this variant (Variation ID: 1070236). For these reasons, this variant has been classified as Pathogenic.

Literature cited by the submitters: PubMed 18950741; PubMed 23891469.

NM_023036.6(DNAI2):c.732G>A (p.Trp244Ter)

Gene: DNAI2 (dynein axonemal intermediate chain 2; plus strand). Cytogenetic location: 17q25.1.
Variant type: single nucleotide variant.
Coding change: c.732G>A on transcript NM_023036.6 (MANE Select); coding-DNA position 732, G replaced by A.
Protein change: p.Trp244Ter; replaces tryptophan 244 with a stop codon.
Molecular consequence: nonsense. On other transcripts: non-coding transcript variant (1).
Genome position (GRCh38, 1-based): chr17:74,299,725, G>A. VCF-style: chr17-74299725-G-A. GRCh37 (hg19) VCF-style: chr17-72295864-G-A.
Other names: c.732G>A, p.Trp244Ter (NM_001172810.3, NM_001353167.2); short protein forms W244*.
Identifiers: ClinVar variation 1070236 (VCV001070236.7), dbSNP rs2144026301, ClinGen allele CA400907951.